The following is an entry in ClinVar:

ClinVar aggregate classification (germline): Uncertain significance. Review status: criteria provided, multiple submitters, no conflicts (2 of 4 stars). 2 submissions from 2 submitters: Uncertain significance (2). Last evaluated 2023-02-24.

Conditions:
Wilms tumor 1 (WT1). Also called: Wilms tumor, somatic. Identifiers: Orphanet 654, MedGen CN033288, MONDO:0008679, OMIM 194070.
11p partial monosomy syndrome (WAGR). Also called: WAGR syndrome; WAGR Spectrum Disorder; CHROMOSOME 11p13 DELETION SYNDROME; WAGR Complex. Identifiers: Orphanet 893, MedGen C0206115, MONDO:0008681, OMIM 194072.
Frasier syndrome. Identifiers: Orphanet 347, MedGen C0950122, MeSH D052159, MONDO:0007635, OMIM 136680.
Drash syndrome (DDS). Also called: WILMS TUMOR AND PSEUDO- OR TRUE HERMAPHRODITISM; NEPHROPATHY, WILMS TUMOR, AND GENITAL ANOMALIES. Identifiers: Orphanet 220, MedGen C0950121, MONDO:0008682, OMIM 194080.

gnomAD v4.1: 1 of 1,611,948 alleles (0.000062%); highest among the groups gnomAD compares: Non-Finnish European, 0.000085%; no homozygotes.

Submissions (2):

All of Us Research Program, National Institutes of Health
Classification: Uncertain significance for Wilms tumor 1. Last evaluated: 2023-02-24. Review status: criteria provided, single submitter. Criteria: ACMG Guidelines, 2015. Collection method: clinical testing. Allele origin: germline. Inheritance: Autosomal dominant inheritance. Observed: 1 variant allele, 1 heterozygote.
Comment: This missense variant replaces serine with threonine at codon 280 of the WT1 protein. Computational prediction is inconclusive regarding the impact of this variant on protein structure and function (internally defined REVEL score threshold 0.5 < inconclusive < 0.7, PMID: 27666373). To our knowledge, functional studies have not been reported for this variant. This variant has not been reported in individuals affected with WT1-related disorders in the literature. This variant has not been identified in the general population by the Genome Aggregation Database (gnomAD). The available evidence is insufficient to determine the role of this variant in disease conclusively. Therefore, this variant is classified as a Variant of Uncertain Significance.

This study involves interpretation of variants in research participants for the purpose of population health screening. Participant phenotype was not available at the time of variant classification. Additional details can be found in publication PMID: 35346344, PMCID: PMC8962531

Labcorp Genetics (formerly Invitae), Labcorp
Classification: Uncertain significance for Wilms tumor 1; Drash syndrome; 11p partial monosomy syndrome; Frasier syndrome. Last evaluated: 2019-08-09. Review status: criteria provided, single submitter. Criteria: Invitae Variant Classification Sherloc (09022015). Collection method: clinical testing. Allele origin: germline.
Comment: This sequence change replaces serine with threonine at codon 280 of the WT1 protein (p.Ser280Thr). The serine residue is highly conserved and there is a small physicochemical difference between serine and threonine. This variant is not present in population databases (ExAC no frequency). This variant has not been reported in the literature in individuals with WT1-related conditions. Algorithms developed to predict the effect of missense changes on protein structure and function (SIFT, PolyPhen-2, Align-GVGD) all suggest that this variant is likely to be disruptive, but these predictions have not been confirmed by published functional studies and their clinical significance is uncertain. In summary, the available evidence is currently insufficient to determine the role of this variant in disease. Therefore, it has been classified as a Variant of Uncertain Significance.

NM_024426.6(WT1):c.854G>C (p.Ser285Thr)

Gene: WT1 (WT1 transcription factor; minus strand). Cytogenetic location: 11p13.
Variant type: single nucleotide variant.
Coding change: c.854G>C on transcript NM_024426.6 (MANE Select); coding-DNA position 854, G replaced by C.
Protein change: p.Ser285Thr; replaces serine 285 with threonine.
Molecular consequence: missense variant. On other transcripts: non-coding transcript variant (1).
Genome position (GRCh38, 1-based): chr11:32,427,989, C>G on the plus strand (G>C on the coding strand, the complement: WT1 is on the minus strand). VCF-style: chr11-32427989-C-G. GRCh37 (hg19) VCF-style: chr11-32449535-C-G.
Other names: c.854G>C, p.Ser285Thr (NM_000378.6, NM_001407044.1, NM_001407045.1 and 4 more transcripts); c.203G>C, p.Ser68Thr (NM_001198551.2, NM_001198552.2); c.731G>C, p.Ser244Thr (NM_001407047.1, NM_001407050.1); c.92G>C, p.Ser31Thr (NM_001407051.1); c.839G>C, p.Ser280Thr (NM_024425.2); short protein forms S285T, S68T, S280T, S31T, S244T.
Identifiers: ClinVar variation 959017 (VCV000959017.12), dbSNP rs779813097, ClinGen allele CA379962903.
Genomic context (GRCh38, chr11:32,427,989, plus strand): 5'-CAGACGCAGAGCCCAGCGCCTTCCTACCTGCTGTAGGGCGTCCTCAGCAGCAAAGCCTGG[C>G]TGCCGGTGCAGCTGTCGGTGGGGGTGTGGCAGCCATAGACCGGGGGCGGCACCGAGTACT-3'
Protein context (NP_077744.4, residues 275-295): CHTPTDSCTG[Ser285Thr]QALLLRTPYS